The following is an entry in ClinVar:

NM_001190274.2(FBXO11):c.132G>A (p.Gln44=)

Genes: FBXO11 (F-box protein 11; minus strand), LOC100506235 (uncharacterized LOC100506235; plus strand). Cytogenetic location: 2p16.3.
Variant type: single nucleotide variant.
Coding change: c.132G>A on transcript NM_001190274.2 (MANE Select); coding-DNA position 132, G replaced by A.
Protein change: p.Gln44=; no amino-acid change (glutamine 44 retained).
Molecular consequence: synonymous variant.
Genome position (GRCh38, 1-based): chr2:47,905,589, C>T on the plus strand (G>A on the coding strand, the complement: FBXO11 is on the minus strand). VCF-style: chr2-47905589-C-T. GRCh37 (hg19) VCF-style: chr2-48132728-C-T.
Identifiers: ClinVar variation 1610567 (VCV001610567.16), dbSNP rs964448875, ClinGen allele CA47236591.

ClinVar aggregate classification (germline): Likely benign. Review status: criteria provided, multiple submitters, no conflicts (2 of 4 stars). 2 submissions from 2 submitters: Likely benign (2). Last evaluated 2026-01-30.

Allele frequency attached by ClinVar (database versions not stated): gnomAD exomes 0.00014 and 0.00030; gnomAD 0.00120 and 0.00124; TOPMed 0.00130.
gnomAD v4.1: 344 of 1,271,464 alleles (0.027%); highest among the groups gnomAD compares: African/African-American, 0.44%; 2 homozygotes.

Submissions (2):

Labcorp Genetics (formerly Invitae), Labcorp
Classification: Likely benign. Last evaluated: 2026-01-30. Review status: criteria provided, single submitter. Criteria: Invitae Variant Classification Sherloc (09022015). Collection method: clinical testing. Allele origin: germline.

CeGaT Center for Human Genetics Tuebingen
Classification: Likely benign. Last evaluated: 2025-10-01. Review status: criteria provided, single submitter. Criteria: CeGaT Center For Human Genetics Tuebingen Variant Classification Criteria Version 2. Collection method: clinical testing. Allele origin: germline. Affected: yes. Observed: 2 variant alleles.
Comment: FBXO11: BP4, BP7